The following is an entry in ClinVar:

ClinVar aggregate classification (germline): Uncertain significance (1 of 4 stars; one submission).

Conditions:
Progressive microcephaly-seizures-cortical blindness-developmental delay syndrome. Also called: Seizures, cortical blindness, and microcephaly syndrome. Identifiers: Orphanet 477814, MedGen C5567650, MONDO:0014714, OMIM 616632.
Autosomal dominant nonsyndromic hearing loss 1. Also called: KONIGSMARK SYNDROME; DEAFNESS, AUTOSOMAL DOMINANT 1, WITH OR WITHOUT THROMBOCYTOPENIA. Identifiers: Orphanet 90635, MedGen C1852282, MONDO:0007424, OMIM 124900.

Allele frequency attached by ClinVar (database versions not stated): gnomAD 0.00001; gnomAD exomes 0.00001; TOPMed 0.00001; ExAC 0.00002.
gnomAD v4.1: 18 of 1,610,980 alleles (0.0011%); highest among the groups gnomAD compares: Non-Finnish European, 0.0014%; no homozygotes.

Submission:

Labcorp Genetics (formerly Invitae), Labcorp
Classification: Uncertain significance for Progressive microcephaly-seizures-cortical blindness-developmental delay syndrome; Autosomal dominant nonsyndromic hearing loss 1. Last evaluated: 2026-01-09. Review status: criteria provided, single submitter. Criteria: Invitae Variant Classification Sherloc (09022015). Collection method: clinical testing. Allele origin: germline.
Comment: This sequence change falls in intron 10 of the DIAPH1 gene. It does not directly change the encoded amino acid sequence of the DIAPH1 protein. It affects a nucleotide within the consensus splice site. This variant is present in population databases (rs761243624, gnomAD 0.004%). This variant has not been reported in the literature in individuals affected with DIAPH1-related conditions. ClinVar contains an entry for this variant (Variation ID: 2949525). Variants that disrupt the consensus splice site are a relatively common cause of aberrant splicing (PMID: 17576681, 9536098). Algorithms developed to predict the effect of sequence changes on RNA splicing suggest that this variant is not likely to affect RNA splicing. In summary, the available evidence is currently insufficient to determine the role of this variant in disease. Therefore, it has been classified as a Variant of Uncertain Significance.

Literature cited by the submitters: PubMed 17576681; PubMed 9536098.

NM_005219.5(DIAPH1):c.1044+6A>G

Gene: DIAPH1 (diaphanous related formin 1; minus strand). Cytogenetic location: 5q31.3.
Variant type: single nucleotide variant.
Coding change: c.1044+6A>G on transcript NM_005219.5 (MANE Select); 6 bases into the intron after coding-DNA position 1044, A replaced by G.
Molecular consequence: intron variant.
Genome position (GRCh38, 1-based): chr5:141,578,509, T>C on the plus strand (A>G on the coding strand, the complement: DIAPH1 is on the minus strand). VCF-style: chr5-141578509-T-C. GRCh37 (hg19) VCF-style: chr5-140958076-T-C.
Other names: c.1017+6A>G (NM_001079812.3); c.1044+6A>G (NM_001314007.2).
Identifiers: ClinVar variation 2949525 (VCV002949525.3), dbSNP rs761243624, ClinGen allele CA3479408.